The following is an entry in ClinVar:

ClinVar aggregate classification (germline): Uncertain significance (1 of 4 stars; one submission).

Submission:

GeneDx
Classification: Uncertain significance. Last evaluated: 2017-04-07. Review status: criteria provided, single submitter. Criteria: GeneDx Variant Classification (06012015). Collection method: clinical testing. Allele origin: germline. Affected: yes.
Comment: The c.1030-18 G>C variant has not been published as a pathogenic variant, nor has it been reported as a benign variant to our knowledge. This variant is not observed in large population cohorts (Lek et al., 2016; 1000 Genomes Consortium et al., 2015; Exome Variant Server). Multiple in-silico splice prediction models failed to predict whether or not this variant would alter gene splicing. However, a different nucleotide substitution at the same position (c.1030-18 G>A) has been previously reported in an individual with Marinesco-Sjogren syndrome who harbored an addtional SIL1 variant (Senderek et al., 2005). Therefore, the c.1030-18 G>C variant may lead to abnormal gene splicing; however, in the absence of RNA/functional studies, the actual effect of this sequence change in this individual is unknown.

NM_022464.5(SIL1):c.1030-18G>C

Gene: SIL1 (SIL1 nucleotide exchange factor; minus strand). Cytogenetic location: 5q31.2.
Variant type: single nucleotide variant.
Coding change: c.1030-18G>C on transcript NM_022464.5 (MANE Select); 18 bases into the intron before coding-DNA position 1030, G replaced by C.
Molecular consequence: intron variant.
Genome position (GRCh38, 1-based): chr5:138,947,491, C>G on the plus strand (G>C on the coding strand, the complement: SIL1 is on the minus strand). VCF-style: chr5-138947491-C-G. GRCh37 (hg19) VCF-style: chr5-138283180-C-G.
Other names: c.1030-18G>C (NM_001037633.2).
Identifiers: ClinVar variation 426699 (VCV000426699.2), dbSNP rs769052639, ClinGen allele CA645294038.
Genomic context (GRCh38, chr5:138,947,491, plus strand): 5'-GGGACATCTCCTGGGTCAGCTCAGCCTCCTCCTCGGCGAACATCTGCCATCCGCCACAGC[C>G]GCAGGCCAGGTAGGGTGGGGGTGGGGAGAGAACACACAGGGAGCAGTTAGCTCACACCTG-3'